The following is an entry in ClinVar:

NM_001292063.2(OTOG):c.6712G>A (p.Gly2238Ser)

Gene: OTOG (otogelin; plus strand). Cytogenetic location: 11p15.1.
Variant type: single nucleotide variant.
Coding change: c.6712G>A on transcript NM_001292063.2 (MANE Select); coding-DNA position 6712, G replaced by A.
Protein change: p.Gly2238Ser; replaces glycine 2238 with serine.
Molecular consequence: missense variant.
Genome position (GRCh38, 1-based): chr11:17,629,316, G>A. VCF-style: chr11-17629316-G-A. GRCh37 (hg19) VCF-style: chr11-17650863-G-A.
Other names: c.6748G>A, p.Gly2250Ser (NM_001277269.2); short protein forms G2238S, G2250S.
Identifiers: ClinVar variation 930161 (VCV000930161.11), dbSNP rs763848795, ClinGen allele CA5906055.

ClinVar aggregate classification (germline): Conflicting classifications of pathogenicity. Review status: criteria provided, conflicting classifications (1 of 4 stars). 5 submissions from 5 submitters: Pathogenic (1); Likely pathogenic (3); Uncertain significance (1). Last evaluated 2026-05-18.

Conditions:
Rare genetic deafness. Identifiers: Orphanet 96210, MedGen C5680250.
Autosomal recessive nonsyndromic hearing loss 18B. Also called: Deafness, autosomal recessive 18b. Identifiers: Orphanet 90636, MedGen C3554163, MONDO:0013985, OMIM 614945.
OTOG-related disorder. Also called: OTOG-related condition.

Allele frequency attached by ClinVar (database versions not stated): gnomAD exomes 0.00001 and 0.00002; gnomAD 0.00003 and 0.00004; TOPMed 0.00005; ExAC 0.00008.
gnomAD v4.1: 27 of 1,547,726 alleles (0.0017%); highest among the groups gnomAD compares: African/African-American, 0.0069%; no homozygotes.

Submissions (5):

MVZ Martinsried, Medicover Genetics
Classification: Likely pathogenic for Autosomal recessive nonsyndromic hearing loss 18B. Last evaluated: 2026-05-18. Review status: criteria provided, single submitter. Criteria: ClinGen Variant Curation SOP V3.2 + Classification Guidance July2025. Collection method: clinical testing. Allele origin: inherited. Affected: yes. Observed: 1 compound heterozygote.
Comment: Confirmed in trans with variant NM_001277269.2(OTOG):c.3493C>T.

Dasa
Classification: Uncertain significance. Last evaluated: 2025-06-04. Review status: criteria provided, single submitter. Criteria: DASA Assertion Criteria. Collection method: clinical testing. Allele origin: germline.
Comment: NM_001292063.2(OTOG):c.6712G>A (p.Gly2238Ser) is a missense variant that results in the substitution of glycine with serine. This variant has been observed in affected individuals with OTOG-related disorders. Also, this variant is rare in population databases. Computational prediction algorithms are consistent with a deleterious effect. The currently available literature and clinical evidence are not sufficient to establish a definitive association between this variant and the reported condition. Therefore, this variant is classified as a variant of uncertain significance.

Blueprint Genetics
Classification: Pathogenic for OTOG-related disorders. Last evaluated: 2023-11-08. Review status: criteria provided, single submitter. Criteria: ACMG Guidelines, 2015. Collection method: clinical testing. Allele origin: germline. Affected: yes. Observed: 5 variant alleles.

GeneDx
Classification: Likely pathogenic. Last evaluated: 2021-09-09. Review status: criteria provided, single submitter. Criteria: GeneDx Variant Classification Process June 2021. Collection method: clinical testing. Allele origin: germline. Affected: yes.
Comment: Variant at the last nucleotide position of the exon in a gene for which loss-of-function is a known mechanism of disease, and splice predictors support a deleterious effect; This variant is associated with the following publications: (PMID: 32860223)

Laboratory for Molecular Medicine, Mass General Brigham Personalized Medicine
Classification: Likely pathogenic for Rare genetic deafness. Last evaluated: 2020-07-16. Review status: criteria provided, single submitter. Criteria: LMM Criteria. Collection method: clinical testing. Allele origin: germline. Inheritance: Autosomal recessive inheritance. Observed: 2 variant alleles.
Comment: It has also been identified in 0.02% (3/15452) of African and in 0.002% (4/176116) of the total chromosomes by gnomAD. However, this frequency is low enough to be consistent with a recessive allele frequency. This variant is located at the last base of the exon, which is a highly conserved position in the 5' splice site region. Computational and splicing prediction tools as well as conservation analysis suggest an impact to the protein and on splicing. Given the location of the variant in the splice consensus sequence and the predicted impact to splicing, the variant may lead to a truncated or absent protein (PVS1_Moderate). In summary, although additional studies are required to fully establish its clinical significance, this variant is classified as likely pathogenic for autosomal recessive sensorineural hearing loss. ACMG/AMP Criteria applied: PM3, PM2, PVS1_Moderate.